The following is an entry in ClinVar:

ClinVar aggregate classification (germline): Conflicting classifications of pathogenicity. Review status: criteria provided, conflicting classifications (1 of 4 stars). 2 submissions from 2 submitters: Uncertain significance (1); Likely benign (1). Last evaluated 2025-06-22.

Conditions:
Autosomal dominant nonsyndromic hearing loss 1. Also called: DEAFNESS, AUTOSOMAL DOMINANT 1, WITH OR WITHOUT THROMBOCYTOPENIA; KONIGSMARK SYNDROME. Identifiers: Orphanet 90635, MedGen C1852282, MONDO:0007424, OMIM 124900.
Progressive microcephaly-seizures-cortical blindness-developmental delay syndrome. Also called: Seizures, cortical blindness, and microcephaly syndrome. Identifiers: Orphanet 477814, MedGen C5567650, MONDO:0014714, OMIM 616632.

Allele frequency attached by ClinVar (database versions not stated): 1000 Genomes Project 30x 0.00031.
gnomAD v4.1: 2 of 1,513,304 alleles (0.00013%); highest among the groups gnomAD compares: East Asian, 0.0048%; no homozygotes.

Submissions (2):

Labcorp Genetics (formerly Invitae), Labcorp
Classification: Uncertain significance for Progressive microcephaly-seizures-cortical blindness-developmental delay syndrome; Autosomal dominant nonsyndromic hearing loss 1. Last evaluated: 2025-06-22. Review status: criteria provided, single submitter. Criteria: Invitae Variant Classification Sherloc (09022015). Collection method: clinical testing. Allele origin: germline.
Comment: This sequence change replaces leucine, which is neutral and non-polar, with phenylalanine, which is neutral and non-polar, at codon 669 of the DIAPH1 protein (p.Leu669Phe). The frequency data for this variant in the population databases is considered unreliable, as metrics indicate poor data quality at this position in the gnomAD database. This variant has not been reported in the literature in individuals affected with DIAPH1-related conditions. ClinVar contains an entry for this variant (Variation ID: 689603). Experimental studies and prediction algorithms are not available or were not evaluated, and the functional significance of this variant is currently unknown. In summary, the available evidence is currently insufficient to determine the role of this variant in disease. Therefore, it has been classified as a Variant of Uncertain Significance.

Genetic Testing Center for Deafness, Department of Otolaryngology Head & Neck Surgery, Institute of Otolaryngology, Chinese PLA General Hospital
Classification: Likely benign for Autosomal dominant nonsyndromic hearing loss 1. Review status: criteria provided, single submitter. Criteria: ClinGen HL ACMG Specifications v1. Collection method: case-control. Allele origin: paternal. Affected: no. Observed: 2 variant alleles.

NM_005219.5(DIAPH1):c.2007G>T (p.Leu669Phe)

Gene: DIAPH1 (diaphanous related formin 1; minus strand). Cytogenetic location: 5q31.3.
Variant type: single nucleotide variant.
Coding change: c.2007G>T on transcript NM_005219.5 (MANE Select); coding-DNA position 2007, G replaced by T.
Protein change: p.Leu669Phe; replaces leucine 669 with phenylalanine.
Molecular consequence: missense variant.
Genome position (GRCh38, 1-based): chr5:141,573,843, C>A on the plus strand (G>T on the coding strand, the complement: DIAPH1 is on the minus strand). VCF-style: chr5-141573843-C-A. GRCh37 (hg19) VCF-style: chr5-140953410-C-A.
Other names: c.1980G>T, p.Leu660Phe (NM_001079812.3); c.2007G>T, p.Leu669Phe (NM_001314007.2); short protein forms L660F, L669F.
Identifiers: ClinVar variation 689603 (VCV000689603.4), dbSNP rs1284785470, ClinGen allele CA361519213.